The following is an entry in ClinVar:

NM_006231.4(POLE):c.1196C>T (p.Ala399Val)

Gene: POLE (DNA polymerase epsilon, catalytic subunit; minus strand). Cytogenetic location: 12q24.33.
Variant type: single nucleotide variant.
Coding change: c.1196C>T on transcript NM_006231.4 (MANE Select); coding-DNA position 1196, C replaced by T.
Protein change: p.Ala399Val; replaces alanine 399 with valine.
Molecular consequence: missense variant.
Genome position (GRCh38, 1-based): chr12:132,675,428, G>A on the plus strand (C>T on the coding strand, the complement: POLE is on the minus strand). VCF-style: chr12-132675428-G-A. GRCh37 (hg19) VCF-style: chr12-133252014-G-A.
Other names: short protein forms A399V.
Identifiers: ClinVar variation 405798 (VCV000405798.14), dbSNP rs1060500853, ClinGen allele CA16613733.
Genomic context (GRCh38, chr12:132,675,428, plus strand): 5'-TGAGGAGCCATGCTGCTCTGTGGCCCCTACCTGAGGCAGTCCATGTGGATGCACTGGGGC[G>A]CCTTGTACTCCCCCTGGCTGTCCTTCTGGAAGCCTATCTCCTGCTGCATGCTCAGACCGT-3'
Protein context (NP_006222.2, residues 389-409): FQKDSQGEYK[Ala399Val]PQCIHMDCLR

ClinVar aggregate classification (germline): Uncertain significance. Review status: criteria provided, multiple submitters, no conflicts (2 of 4 stars). 2 submissions from 2 submitters: Uncertain significance (2). Last evaluated 2026-01-08.

Conditions:
Hereditary cancer-predisposing syndrome. Also called: Neoplastic Syndromes, Hereditary; Tumor predisposition; Hereditary neoplastic syndrome; Hereditary Cancer Syndrome. Identifiers: Orphanet 140162, MedGen C0027672, MeSH D009386, MONDO:0015356.

Allele frequency attached by ClinVar (database versions not stated): gnomAD exomes 0.00001; TOPMed below 0.00001.
gnomAD v4.1: 8 of 1,614,136 alleles (0.0005%); highest among the groups gnomAD compares: African/African-American, 0.0013%; no homozygotes.

Submissions (2):

Ambry Genetics
Classification: Uncertain significance for Hereditary cancer-predisposing syndrome. Last evaluated: 2026-01-08. Review status: criteria provided, single submitter. Criteria: Ambry Variant Classification Scheme 2023. Collection method: clinical testing. Allele origin: germline.
Comment: The p.A399V variant (also known as c.1196C>T), located in coding exon 12 of the POLE gene, results from a C to T substitution at nucleotide position 1196. The alanine at codon 399 is replaced by valine, an amino acid with similar properties. This amino acid position is not well conserved in available vertebrate species. In addition, this alteration is predicted to be tolerated by in silico analysis. Based on the available evidence, the clinical significance of this variant remains unclear.

Labcorp Genetics (formerly Invitae), Labcorp
Classification: Uncertain significance. Last evaluated: 2025-06-08. Review status: criteria provided, single submitter. Criteria: Invitae Variant Classification Sherloc (09022015). Collection method: clinical testing. Allele origin: germline.
Comment: This sequence change replaces alanine, which is neutral and non-polar, with valine, which is neutral and non-polar, at codon 399 of the POLE protein (p.Ala399Val). This variant is not present in population databases (gnomAD no frequency). This variant has not been reported in the literature in individuals affected with POLE-related conditions. ClinVar contains an entry for this variant (Variation ID: 405798). Invitae Evidence Modeling of protein sequence and biophysical properties (such as structural, functional, and spatial information, amino acid conservation, physicochemical variation, residue mobility, and thermodynamic stability) indicates that this missense variant is not expected to disrupt POLE protein function with a negative predictive value of 80%. RNA analysis performed to evaluate the impact of this missense change on mRNA splicing indicates it does not significantly alter splicing (internal data). In summary, the available evidence is currently insufficient to determine the role of this variant in disease. Therefore, it has been classified as a Variant of Uncertain Significance.